The following is an entry in ClinVar:

NM_006767.4(LZTR1):c.1245G>A (p.Glu415=)

Gene: LZTR1 (leucine zipper like post translational regulator 1; plus strand). Cytogenetic location: 22q11.21.
Variant type: single nucleotide variant.
Coding change: c.1245G>A on transcript NM_006767.4 (MANE Select); coding-DNA position 1245, G replaced by A.
Protein change: p.Glu415=; no amino-acid change (glutamic acid 415 retained).
Molecular consequence: synonymous variant.
Genome position (GRCh38, 1-based): chr22:20,992,889, G>A. VCF-style: chr22-20992889-G-A. GRCh37 (hg19) VCF-style: chr22-21347178-G-A.
Identifiers: ClinVar variation 5023799 (VCV005023799.1).

ClinVar aggregate classification (germline): Uncertain significance (1 of 4 stars; one submission).

Conditions:
Cardiovascular phenotype. Identifiers: MedGen CN230736.
Hereditary cancer-predisposing syndrome. Also called: Neoplastic Syndromes, Hereditary; Tumor predisposition; Hereditary neoplastic syndrome; Hereditary Cancer Syndrome. Identifiers: Orphanet 140162, MedGen C0027672, MeSH D009386, MONDO:0015356.

Submission:

Ambry Genetics
Classification: Uncertain significance for Cardiovascular phenotype; Hereditary cancer-predisposing syndrome. Last evaluated: 2026-09-09. Review status: criteria provided, single submitter. Criteria: Ambry Variant Classification Scheme 2023. Collection method: clinical testing. Allele origin: germline.
Comment: The c.1245G>A variant (also known as p.E415E), located in coding exon 11 of the LZTR1 gene, results from a G to A substitution at nucleotide position 1245. This nucleotide substitution does not change the amino acid at codon 415. This nucleotide position is not well conserved in available vertebrate species. In silico splice site analysis for this alteration is inconclusive. Based on the available evidence, the clinical significance of this variant remains unclear.